The following is an entry in ClinVar:

NM_018139.3(DNAAF2):c.1906G>T (p.Glu636Ter)

Gene: DNAAF2 (dynein axonemal assembly factor 2; minus strand). Cytogenetic location: 14q21.3.
Variant type: single nucleotide variant.
Coding change: c.1906G>T on transcript NM_018139.3 (MANE Select); coding-DNA position 1906, G replaced by T.
Protein change: p.Glu636Ter; replaces glutamic acid 636 with a stop codon.
Molecular consequence: nonsense. On other transcripts: intron variant (2).
Genome position (GRCh38, 1-based): chr14:49,628,113, C>A on the plus strand (G>T on the coding strand, the complement: DNAAF2 is on the minus strand). VCF-style: chr14-49628113-C-A. GRCh37 (hg19) VCF-style: chr14-50094831-C-A.
Other names: c.1864-2065G>T (NM_001083908.2); c.-204-2065G>T (NM_001378453.1); short protein forms E636*.
Identifiers: ClinVar variation 2114540 (VCV002114540.4), dbSNP rs2502756510, ClinGen allele CA389624849.

ClinVar aggregate classification (germline): Pathogenic (1 of 4 stars; one submission).

Conditions:
Primary ciliary dyskinesia. Also called: Ciliary dyskinesia. Identifiers: Orphanet 244, MedGen C0008780, MONDO:0016575, HP:0012265.

Submission:

Labcorp Genetics (formerly Invitae), Labcorp
Classification: Pathogenic for Primary ciliary dyskinesia. Last evaluated: 2022-03-19. Review status: criteria provided, single submitter. Criteria: Invitae Variant Classification Sherloc (09022015). Collection method: clinical testing. Allele origin: germline.
Comment: This sequence change creates a premature translational stop signal (p.Glu636*) in the DNAAF2 gene. It is expected to result in an absent or disrupted protein product. Loss-of-function variants in DNAAF2 are known to be pathogenic (PMID: 19052621, 24498942). This variant is not present in population databases (gnomAD no frequency). This variant has not been reported in the literature in individuals affected with DNAAF2-related conditions. For these reasons, this variant has been classified as Pathogenic.

Literature cited by the submitters: PubMed 19052621; PubMed 24498942.